The following is an entry in ClinVar:

NM_000091.5(COL4A3):c.3961A>T (p.Lys1321Ter)

Genes: COL4A3 (collagen type IV alpha 3 chain; plus strand), MFF-DT (MFF divergent transcript; minus strand). Cytogenetic location: 2q36.3.
Variant type: single nucleotide variant.
Coding change: c.3961A>T on transcript NM_000091.5 (MANE Select); coding-DNA position 3961, A replaced by T.
Protein change: p.Lys1321Ter; replaces lysine 1321 with a stop codon.
Molecular consequence: nonsense.
Genome position (GRCh38, 1-based): chr2:227,303,864, A>T. VCF-style: chr2-227303864-A-T. GRCh37 (hg19) VCF-style: chr2-228168580-A-T.
Other names: p.(Lys1321*); short protein forms K1321*.
Identifiers: ClinVar variation 4853868 (VCV004853868.1).

ClinVar aggregate classification (germline): Pathogenic (1 of 4 stars; one submission).

Conditions:
Hematuria, benign familial, 2 (BFH2). Identifiers: MedGen C5830421, MONDO:0958186, OMIM 620320.

Submission:

Centre de Génétique Humaine, Institut de Pathologie Et de Génétique
Classification: Pathogenic for Hematuria, benign familial, 2. Last evaluated: 2026-03-20. Review status: criteria provided, single submitter. Criteria: ACMG Guidelines, 2015. Collection method: clinical testing. Allele origin: germline. Inheritance: Autosomal dominant inheritance. Affected: yes. Observed: 1 variant allele, 1 heterozygote. Segregation with disease not observed.
Comment: Nonsense variant predicted to result in protein truncation or nonsense mediated decay in a gene for which loss-of-function is a known mechanism of disease (PVS1). This variant is rare: absent in gnomAD v4.1.0 database (PM2).